The following is an entry in ClinVar:

ClinVar aggregate classification (germline): Uncertain significance (1 of 4 stars; one submission).

Conditions:
Hereditary cancer-predisposing syndrome. Also called: Hereditary neoplastic syndrome; Hereditary Cancer Syndrome; Neoplastic Syndromes, Hereditary; Tumor predisposition. Identifiers: Orphanet 140162, MedGen C0027672, MeSH D009386, MONDO:0015356.

Submission:

Ambry Genetics
Classification: Uncertain significance for Hereditary cancer-predisposing syndrome. Last evaluated: 2023-05-25. Review status: criteria provided, single submitter. Criteria: Ambry Variant Classification Scheme 2023. Collection method: clinical testing. Allele origin: germline.
Comment: The c.756_761delAGATTC variant (also known as p.D253_S254del) is located in coding exon 4 of the MSH6 gene. This variant results from an in-frame AGATTC deletion at nucleotide positions 756 to 761. This results in the in-frame deletion of an aspartic acid and a serine at codon 253 to 254. This amino acid region is generally well conserved in available vertebrate species. In addition, the in silico prediction for this alteration is inconclusive (Choi Y et al. PLoS ONE. 2012; 7(10):e46688). Since supporting evidence is limited at this time, the clinical significance of this alteration remains unclear.

NM_000179.3(MSH6):c.756_761del (p.Asp253_Ser254del)

Gene: MSH6 (mutS homolog 6; plus strand). Cytogenetic location: 2p16.3.
Variant type: Deletion.
Coding change: c.756_761del on transcript NM_000179.3 (MANE Select); coding-DNA positions 756 to 761, 6 bases deleted (AGATTC; older notation c.756_761delAGATTC).
Protein change: p.Asp253_Ser254del.
Molecular consequence: inframe deletion. On other transcripts: 5 prime UTR variant (9), non-coding transcript variant (4), intron variant (1).
Genome position (GRCh38, 1-based): chr2:47,798,739-47,798,744, AGATTC deleted; deleting any 6 consecutive bases within chr2:47,798,737-47,798,744 gives the same sequence; the c. name uses the placement nearest the transcript's 3' end. VCF-style (leftmost placement, unchanged base first): chr2-47798736-ATCAGAT-A. GRCh37 (hg19) VCF-style: chr2-48025875-ATCAGAT-A.
Other names: c.366_371del, p.Asp123_Ser124del (NM_001281492.2); c.-151_-146del (NM_001281493.2, NM_001281494.2, NM_001406811.1 and 6 more transcripts); c.852_857del, p.Asp285_Ser286del (NM_001406795.1, NM_001406802.1); c.756_761del, p.Asp253_Ser254del (NM_001406796.1, NM_001406798.1, NM_001406800.1 and 4 more transcripts); c.459_464del, p.Asp154_Ser155del (NM_001406797.1, NM_001406801.1, NM_001406805.1 and 10 more transcripts); c.231_236del, p.Asp78_Ser79del (NM_001406799.1, NM_001406806.1, NM_001406807.1); c.678_683del, p.Asp227_Ser228del (NM_001406804.1); c.762_767del, p.Asp255_Ser256del (NM_001406813.1); and 2 more.
Identifiers: ClinVar variation 2567481 (VCV002567481.2), dbSNP rs2530569879, ClinGen allele CA2580611315.